The following is an entry in ClinVar:

ClinVar aggregate classification (germline): Conflicting classifications of pathogenicity. Review status: criteria provided, conflicting classifications (1 of 4 stars). 4 submissions from 4 submitters: Uncertain significance (3); Likely benign (1). Last evaluated 2025-08-04.

Conditions:
Multiple congenital anomalies-hypotonia-seizures syndrome 3 (MCAHS3). Also called: GLYCOSYLPHOSPHATIDYLINOSITOL BIOSYNTHESIS DEFECT 7. Identifiers: Orphanet 369837, MedGen C3809356, MONDO:0014165, OMIM 615398.

Allele frequency attached by ClinVar (database versions not stated): gnomAD below 0.00001 and 0.00008; TOPMed 0.00004; gnomAD exomes 0.00021 and 0.00042; ExAC 0.00046; 1000 Genomes Project 0.00120; 1000 Genomes Project 30x 0.00125.
gnomAD v4.1: 314 of 1,613,402 alleles (0.019%); highest among the groups gnomAD compares: South Asian, 0.33%; 4 homozygotes.

Submissions (4):

Labcorp Genetics (formerly Invitae), Labcorp
Classification: Likely benign for Multiple congenital anomalies-hypotonia-seizures syndrome 3. Last evaluated: 2025-08-04. Review status: criteria provided, single submitter. Criteria: Invitae Variant Classification Sherloc (09022015). Collection method: clinical testing. Allele origin: germline.

Revvity Omics, Revvity
Classification: Uncertain significance. Last evaluated: 2024-09-26. Review status: criteria provided, single submitter. Criteria: ACMG Guidelines, 2015. Collection method: clinical testing. Allele origin: germline.

GeneDx
Classification: Uncertain significance. Last evaluated: 2020-09-02. Review status: criteria provided, single submitter. Criteria: GeneDx Variant Classification Process June 2021. Collection method: clinical testing. Allele origin: germline. Affected: yes.
Comment: In silico analysis supports that this missense variant has a deleterious effect on protein structure/function; Has not been previously published as pathogenic or benign to our knowledge

Baylor Genetics
Classification: Uncertain significance for Multiple congenital anomalies-hypotonia-seizures syndrome 3. Last evaluated: 2018-07-18. Review status: criteria provided, single submitter. Criteria: ACMG Guidelines, 2015. Collection method: clinical testing. Allele origin: paternal. Affected: yes.
Comment: This variant was determined to be of uncertain significance according to ACMG Guidelines, 2015 [PMID:25741868].

NM_015937.6(PIGT):c.848A>T (p.Asp283Val)

Gene: PIGT (phosphatidylinositol glycan anchor biosynthesis class T; plus strand). Cytogenetic location: 20q13.12.
Variant type: single nucleotide variant.
Coding change: c.848A>T on transcript NM_015937.6 (MANE Select); coding-DNA position 848, A replaced by T.
Protein change: p.Asp283Val; replaces aspartic acid 283 with valine.
Molecular consequence: missense variant. On other transcripts: non-coding transcript variant (5).
Genome position (GRCh38, 1-based): chr20:45,420,410, A>T. VCF-style: chr20-45420410-A-T. GRCh37 (hg19) VCF-style: chr20-44049050-A-T.
Other names: c.680A>T, p.Asp227Val (NM_001184728.3); c.848A>T, p.Asp283Val (NM_001184729.3); c.542A>T, p.Asp181Val (NM_001184730.3); short protein forms D283V, D181V, D227V.
Identifiers: ClinVar variation 1032713 (VCV001032713.9), dbSNP rs574857016, ClinGen allele CA9878077.